The following is an entry in ClinVar:

NM_001171.6(ABCC6):c.2261C>G (p.Ser754Cys)

Gene: ABCC6 (ATP binding cassette subfamily C member 6; minus strand). Cytogenetic location: 16p13.11.
Variant type: single nucleotide variant.
Coding change: c.2261C>G on transcript NM_001171.6 (MANE Select); coding-DNA position 2261, C replaced by G.
Protein change: p.Ser754Cys; replaces serine 754 with cysteine.
Molecular consequence: missense variant. On other transcripts: non-coding transcript variant (1).
Genome position (GRCh38, 1-based): chr16:16,178,952, G>C on the plus strand (C>G on the coding strand, the complement: ABCC6 is on the minus strand). VCF-style: chr16-16178952-G-C. GRCh37 (hg19) VCF-style: chr16-16272809-G-C.
Other names: c.1919C>G, p.Ser640Cys (NM_001351800.1); short protein forms S754C, S640C.
Identifiers: ClinVar variation 1381859 (VCV001381859.8), dbSNP rs866196138, ClinGen allele CA394888173.

ClinVar aggregate classification (germline): Uncertain significance. Review status: criteria provided, multiple submitters, no conflicts (2 of 4 stars). 2 submissions from 2 submitters: Uncertain significance (2). Last evaluated 2024-06-19.

Conditions:
Arterial calcification, generalized, of infancy, 2. Identifiers: Orphanet 51608, MedGen C3276161, MONDO:0013768, OMIM 614473.
Autosomal recessive inherited pseudoxanthoma elasticum (PXE). Identifiers: Orphanet 758, MedGen CN032334, MONDO:0009925, OMIM 264800.
Pseudoxanthoma elasticum, forme fruste. Also called: Pseudoxanthoma Elasticum, Incomplete; PSEUDOXANTHOMA ELASTICUM, HETEROZYGOUS. Identifiers: Orphanet 758, MedGen C1867450, MONDO:0008333, OMIM 177850.

Allele frequency attached by ClinVar (database versions not stated): gnomAD 0.00001 and 0.00002; TOPMed 0.00001.
gnomAD v4.1: 3 of 1,612,746 alleles (0.00019%); highest among the groups gnomAD compares: Admixed American, 0.005%; no homozygotes.

Submissions (2):

Fulgent Genetics
Classification: Uncertain significance for Pseudoxanthoma elasticum, forme fruste; Autosomal recessive inherited pseudoxanthoma elasticum; Arterial calcification, generalized, of infancy, 2. Last evaluated: 2024-06-19. Review status: criteria provided, single submitter. Criteria: ACMG Guidelines, 2015. Collection method: clinical testing. Allele origin: germline.

Labcorp Genetics (formerly Invitae), Labcorp
Classification: Uncertain significance. Last evaluated: 2022-07-05. Review status: criteria provided, single submitter. Criteria: Invitae Variant Classification Sherloc (09022015). Collection method: clinical testing. Allele origin: germline.
Comment: In summary, the available evidence is currently insufficient to determine the role of this variant in disease. Therefore, it has been classified as a Variant of Uncertain Significance. Advanced modeling of protein sequence and biophysical properties (such as structural, functional, and spatial information, amino acid conservation, physicochemical variation, residue mobility, and thermodynamic stability) performed at Invitae indicates that this missense variant is expected to disrupt ABCC6 protein function. ClinVar contains an entry for this variant (Variation ID: 1381859). This variant has not been reported in the literature in individuals affected with ABCC6-related conditions. This variant is not present in population databases (gnomAD no frequency). This sequence change replaces serine, which is neutral and polar, with cysteine, which is neutral and slightly polar, at codon 754 of the ABCC6 protein (p.Ser754Cys).